The following is an entry in ClinVar:

ClinVar aggregate classification (germline): Uncertain significance (1 of 4 stars; one submission).

gnomAD v4.1: 1 of 1,603,844 alleles (0.000062%); highest among the groups gnomAD compares: Non-Finnish European, 0.000085%; no homozygotes.

Submission:

Labcorp Genetics (formerly Invitae), Labcorp
Classification: Uncertain significance. Last evaluated: 2025-10-29. Review status: criteria provided, single submitter. Criteria: Invitae Variant Classification Sherloc (09022015). Collection method: clinical testing. Allele origin: germline.
Comment: This sequence change falls in intron 8 of the MCM4 gene. It does not directly change the encoded amino acid sequence of the MCM4 protein. It affects a nucleotide within the consensus splice site. This variant is not present in population databases (gnomAD no frequency). This variant has not been reported in the literature in individuals affected with MCM4-related conditions. Variants that disrupt the consensus splice site are a relatively common cause of aberrant splicing (PMID: 17576681, 9536098). Algorithms developed to predict the effect of sequence changes on RNA splicing suggest that this variant is not likely to affect RNA splicing. In summary, the available evidence is currently insufficient to determine the role of this variant in disease. Therefore, it has been classified as a Variant of Uncertain Significance.

Literature cited by the submitters: PubMed 17576681; PubMed 9536098.

NM_182746.3(MCM4):c.1053+3G>A

Gene: MCM4 (minichromosome maintenance complex component 4; plus strand). Cytogenetic location: 8q11.21.
Variant type: single nucleotide variant.
Coding change: c.1053+3G>A on transcript NM_182746.3 (MANE Select); 3 bases into the intron after coding-DNA position 1053, G replaced by A.
Molecular consequence: intron variant.
Genome position (GRCh38, 1-based): chr8:47,966,410, G>A. VCF-style: chr8-47966410-G-A. GRCh37 (hg19) VCF-style: chr8-48878970-G-A.
Other names: c.1053+3G>A (NM_005914.4).
Identifiers: ClinVar variation 4806771 (VCV004806771.1).